The following is an entry in ClinVar:

ClinVar aggregate classification (germline): Likely benign (1 of 4 stars; one submission).

Allele frequency attached by ClinVar (database versions not stated): gnomAD exomes 0.00003; gnomAD 0.00009; TOPMed 0.00010; ExAC 0.00011; ESP Exome Variant Server 0.00015; 1000 Genomes Project 30x 0.00016; 1000 Genomes Project 0.00020.
gnomAD v4.1: 62 of 1,612,808 alleles (0.0038%); highest among the groups gnomAD compares: African/African-American, 0.025%; no homozygotes.

Submission:

CeGaT Center for Human Genetics Tuebingen
Classification: Likely benign. Last evaluated: 2024-06-01. Review status: criteria provided, single submitter. Criteria: CeGaT Center For Human Genetics Tuebingen Variant Classification Criteria Version 2. Collection method: clinical testing. Allele origin: germline. Affected: yes. Observed: 1 variant allele.
Comment: SIK3: BP4, BP7

NM_001366686.3(SIK3):c.1779C>T (p.Asp593=)

Gene: SIK3 (SIK family kinase 3; minus strand). Cytogenetic location: 11q23.3.
Variant type: single nucleotide variant.
Coding change: c.1779C>T on transcript NM_001366686.3 (MANE Select); coding-DNA position 1779, C replaced by T.
Protein change: p.Asp593=; no amino-acid change (aspartic acid 593 retained).
Molecular consequence: synonymous variant.
Genome position (GRCh38, 1-based): chr11:116,870,360, G>A on the plus strand (C>T on the coding strand, the complement: SIK3 is on the minus strand). VCF-style: chr11-116870360-G-A. GRCh37 (hg19) VCF-style: chr11-116741076-G-A.
Other names: c.1302C>T, p.Asp434= (NM_001281748.3); c.1635C>T, p.Asp545= (NM_001281749.3); c.1779C>T, p.Asp593= (NM_025164.6).
Identifiers: ClinVar variation 3250583 (VCV003250583.18), dbSNP rs371384308.
Genomic context (GRCh38, chr11:116,870,360, plus strand): 5'-CTTCTGCAAGCACTGCCAGATGTCACATTACCTCTGCACAGCTTCCTGGTCTGGCTCCCC[G>A]TCTGAGCTCTCCTCGTCCACAGGGGTAACTGCTGGCACTGCCTGAAGAGAGACAGGAAGG-3'
Protein context (NP_001353615.1, residues 583-603): AVTPVDEESS[Asp593=]GEPDQEAVQR